The following is an entry in ClinVar:

ClinVar aggregate classification (germline): Likely benign (1 of 4 stars; one submission).

Allele frequency attached by ClinVar (database versions not stated): 1000 Genomes Project 30x 0.00250; 1000 Genomes Project 0.00260; ExAC 0.00460; gnomAD 0.00510; TOPMed 0.00527; ESP Exome Variant Server 0.00546; gnomAD exomes 0.00600.
gnomAD v4.1: 9,570 of 1,608,862 alleles (0.59%); highest among the groups gnomAD compares: Admixed American, 0.77%; 40 homozygotes.

Submission:

CeGaT Center for Human Genetics Tuebingen
Classification: Likely benign. Last evaluated: 2023-05-01. Review status: criteria provided, single submitter. Criteria: CeGaT Center For Human Genetics Tuebingen Variant Classification Criteria Version 2. Collection method: clinical testing. Allele origin: germline. Affected: yes. Observed: 3 variant alleles.
Comment: ASAP3: BP4, BS2

NM_017707.4(ASAP3):c.2150C>A (p.Ala717Asp)

Gene: ASAP3 (ArfGAP with SH3 domain, ankyrin repeat and PH domain 3; minus strand). Cytogenetic location: 1p36.12.
Variant type: single nucleotide variant.
Coding change: c.2150C>A on transcript NM_017707.4 (MANE Select); coding-DNA position 2150, C replaced by A.
Protein change: p.Ala717Asp; replaces alanine 717 with aspartic acid.
Molecular consequence: missense variant.
Genome position (GRCh38, 1-based): chr1:23,433,250, G>T on the plus strand (C>A on the coding strand, the complement: ASAP3 is on the minus strand). VCF-style: chr1-23433250-G-T. GRCh37 (hg19) VCF-style: chr1-23759743-G-T.
Other names: c.2123C>A, p.Ala708Asp (NM_001143778.2); short protein forms A708D, A717D.
Identifiers: ClinVar variation 2638482 (VCV002638482.24), dbSNP rs140136454, ClinGen allele CA682292.